The following is an entry in ClinVar:

ClinVar aggregate classification (germline): Benign. Review status: criteria provided, multiple submitters, no conflicts (2 of 4 stars). 2 submissions from 2 submitters: Benign (2). Last evaluated 2025-08-05.

Allele frequency attached by ClinVar (database versions not stated): gnomAD exomes 0.00080 and 0.00178; ExAC 0.00195; 1000 Genomes Project 0.00200; 1000 Genomes Project 30x 0.00234.
gnomAD v4.1: 1,209 of 1,614,218 alleles (0.075%); highest among the groups gnomAD compares: South Asian, 1.3%; 26 homozygotes.

Submissions (2):

Labcorp Genetics (formerly Invitae), Labcorp
Classification: Benign. Last evaluated: 2025-08-05. Review status: criteria provided, single submitter. Criteria: Invitae Variant Classification Sherloc (09022015). Collection method: clinical testing. Allele origin: germline.

CeGaT Center for Human Genetics Tuebingen
Classification: Benign. Last evaluated: 2024-01-01. Review status: criteria provided, single submitter. Criteria: CeGaT Center For Human Genetics Tuebingen Variant Classification Criteria Version 2. Collection method: clinical testing. Allele origin: germline. Affected: yes. Observed: 1 variant allele.
Comment: MOCS3: BP4, BS1, BS2

NM_014484.5(MOCS3):c.974G>C (p.Arg325Pro)

Gene: MOCS3 (molybdenum cofactor synthesis 3; plus strand). Cytogenetic location: 20q13.13.
Variant type: single nucleotide variant.
Coding change: c.974G>C on transcript NM_014484.5 (MANE Select); coding-DNA position 974, G replaced by C.
Protein change: p.Arg325Pro; replaces arginine 325 with proline.
Molecular consequence: missense variant.
Genome position (GRCh38, 1-based): chr20:50,959,816, G>C. VCF-style: chr20-50959816-G-C. GRCh37 (hg19) VCF-style: chr20-49576353-G-C.
Other names: short protein forms R325P.
Identifiers: ClinVar variation 1540273 (VCV001540273.30), dbSNP rs202056600, ClinGen allele CA9909517.